The following is an entry in ClinVar:

NM_005188.4(CBL):c.2288G>C (p.Gly763Ala)

Gene: CBL (Cbl proto-oncogene; plus strand). Cytogenetic location: 11q23.3.
Variant type: single nucleotide variant.
Coding change: c.2288G>C on transcript NM_005188.4 (MANE Select); coding-DNA position 2288, G replaced by C.
Protein change: p.Gly763Ala; replaces glycine 763 with alanine.
Molecular consequence: missense variant.
Genome position (GRCh38, 1-based): chr11:119,298,394, G>C. VCF-style: chr11-119298394-G-C. GRCh37 (hg19) VCF-style: chr11-119169104-G-C.
Other names: short protein forms G763A.
Identifiers: ClinVar variation 3995990 (VCV003995990.1).

ClinVar aggregate classification (germline): Uncertain significance (1 of 4 stars; one submission).

Conditions:
Cardiovascular phenotype. Identifiers: MedGen CN230736.

Submission:

Ambry Genetics
Classification: Uncertain significance for Cardiovascular phenotype. Last evaluated: 2025-03-29. Review status: criteria provided, single submitter. Criteria: Ambry Variant Classification Scheme 2023. Collection method: clinical testing. Allele origin: germline.
Comment: The p.G763A variant (also known as c.2288G>C), located in coding exon 15 of the CBL gene, results from a G to C substitution at nucleotide position 2288. The glycine at codon 763 is replaced by alanine, an amino acid with similar properties. This amino acid position is conserved. In addition, this alteration is predicted to be tolerated by in silico analysis. Based on the available evidence, the clinical significance of this variant remains unclear.